The following is an entry in ClinVar:

NM_001044385.3(TMEM237):c.588A>G (p.Ile196Met)

Gene: TMEM237 (transmembrane protein 237; minus strand). Cytogenetic location: 2q33.1.
Variant type: single nucleotide variant.
Coding change: c.588A>G on transcript NM_001044385.3 (MANE Select); coding-DNA position 588, A replaced by G.
Protein change: p.Ile196Met; replaces isoleucine 196 with methionine.
Molecular consequence: missense variant.
Genome position (GRCh38, 1-based): chr2:201,629,818, T>C on the plus strand (A>G on the coding strand, the complement: TMEM237 is on the minus strand). VCF-style: chr2-201629818-T-C. GRCh37 (hg19) VCF-style: chr2-202494541-T-C.
Other names: c.564A>G, p.Ile188Met (NM_152388.4); c.588A>G (NM_001044385.1); short protein forms I188M, I196M.
Identifiers: ClinVar variation 966661 (VCV000966661.9), dbSNP rs374042611, ClinGen allele CA2056436.

ClinVar aggregate classification (germline): Uncertain significance. Review status: criteria provided, multiple submitters, no conflicts (2 of 4 stars). 3 submissions from 3 submitters: Uncertain significance (3). Last evaluated 2022-12-21.

Conditions:
Joubert syndrome 14 (JBTS14). Identifiers: MedGen C3280766, MONDO:0013745, OMIM 614424.
Inborn genetic diseases. Identifiers: MedGen C0950123, MeSH D030342.

Allele frequency attached by ClinVar (database versions not stated): gnomAD 0.00003 and 0.00004; gnomAD exomes 0.00003 and 0.00011; TOPMed 0.00003; ExAC 0.00004; ESP Exome Variant Server 0.00008.
gnomAD v4.1: 161 of 1,613,392 alleles (0.01%); highest among the groups gnomAD compares: Non-Finnish European, 0.013%; no homozygotes.

Submissions (3):

Blueprint Genetics
Classification: Uncertain significance. Last evaluated: 2022-12-21. Review status: criteria provided, single submitter. Criteria: ACMG Guidelines, 2015. Collection method: clinical testing. Allele origin: germline.

Ambry Genetics
Classification: Uncertain significance for Inborn genetic diseases. Last evaluated: 2022-06-14. Review status: criteria provided, single submitter. Criteria: Ambry Variant Classification Scheme 2023. Collection method: clinical testing. Allele origin: germline.

Labcorp Genetics (formerly Invitae), Labcorp
Classification: Uncertain significance for Joubert syndrome 14. Last evaluated: 2022-02-23. Review status: criteria provided, single submitter. Criteria: Invitae Variant Classification Sherloc (09022015). Collection method: clinical testing. Allele origin: germline.
Comment: In summary, the available evidence is currently insufficient to determine the role of this variant in disease. Therefore, it has been classified as a Variant of Uncertain Significance. Algorithms developed to predict the effect of missense changes on protein structure and function are either unavailable or do not agree on the potential impact of this missense change (SIFT: "Deleterious"; PolyPhen-2: "Probably Damaging"; Align-GVGD: "Class C0"). ClinVar contains an entry for this variant (Variation ID: 966661). This variant has not been reported in the literature in individuals affected with TMEM237-related conditions. This variant is present in population databases (rs374042611, gnomAD 0.007%). This sequence change replaces isoleucine, which is neutral and non-polar, with methionine, which is neutral and non-polar, at codon 196 of the TMEM237 protein (p.Ile196Met).